The following is an entry in ClinVar:

NM_014271.4(IL1RAPL1):c.1032C>A (p.His344Gln)

Gene: IL1RAPL1 (interleukin 1 receptor accessory protein like 1; plus strand). Cytogenetic location: Xp21.2.
Variant type: single nucleotide variant.
Coding change: c.1032C>A on transcript NM_014271.4 (MANE Select); coding-DNA position 1032, C replaced by A.
Protein change: p.His344Gln; replaces histidine 344 with glutamine.
Molecular consequence: missense variant.
Genome position (GRCh38, 1-based): chrX:29,920,069, C>A. VCF-style: chrX-29920069-C-A. GRCh37 (hg19) VCF-style: chrX-29938186-C-A.
Other names: c.1032C>A (NM_014271.3); short protein forms H344Q.
Identifiers: ClinVar variation 1026965 (VCV001026965.9), dbSNP rs1426366152, ClinGen allele CA412636333.

ClinVar aggregate classification (germline): Uncertain significance. Review status: criteria provided, multiple submitters, no conflicts (2 of 4 stars). 2 submissions from 2 submitters: Uncertain significance (2). Last evaluated 2024-03-25.

Conditions:
Inborn genetic diseases. Identifiers: MedGen C0950123, MeSH D030342.

gnomAD v4.1: 2 of 1,211,345 alleles (0.00017%); highest among the groups gnomAD compares: Admixed American, 0.0022%; no homozygotes.

Submissions (2):

Ambry Genetics
Classification: Uncertain significance for Inborn genetic diseases. Last evaluated: 2024-03-25. Review status: criteria provided, single submitter. Criteria: Ambry Variant Classification Scheme 2023. Collection method: clinical testing. Allele origin: germline.

Labcorp Genetics (formerly Invitae), Labcorp
Classification: Uncertain significance. Last evaluated: 2022-07-13. Review status: criteria provided, single submitter. Criteria: Invitae Variant Classification Sherloc (09022015). Collection method: clinical testing. Allele origin: germline.
Comment: In summary, the available evidence is currently insufficient to determine the role of this variant in disease. Therefore, it has been classified as a Variant of Uncertain Significance. Algorithms developed to predict the effect of missense changes on protein structure and function are either unavailable or do not agree on the potential impact of this missense change (SIFT: "Deleterious"; PolyPhen-2: "Benign"; Align-GVGD: "Class C0"). ClinVar contains an entry for this variant (Variation ID: 1026965). This variant has not been reported in the literature in individuals affected with IL1RAPL1-related conditions. This variant is not present in population databases (gnomAD no frequency). This sequence change replaces histidine, which is basic and polar, with glutamine, which is neutral and polar, at codon 344 of the IL1RAPL1 protein (p.His344Gln).